The following is an entry in ClinVar:

NM_030665.4(RAI1):c.3737G>A (p.Ser1246Asn)

Gene: RAI1 (retinoic acid induced 1; plus strand). Cytogenetic location: 17p11.2.
Variant type: single nucleotide variant.
Coding change: c.3737G>A on transcript NM_030665.4 (MANE Select); coding-DNA position 3737, G replaced by A.
Protein change: p.Ser1246Asn; replaces serine 1246 with asparagine.
Molecular consequence: missense variant.
Genome position (GRCh38, 1-based): chr17:17,796,685, G>A. VCF-style: chr17-17796685-G-A. GRCh37 (hg19) VCF-style: chr17-17699999-G-A.
Other names: short protein forms S1246N.
Identifiers: ClinVar variation 1810570 (VCV001810570.1), dbSNP rs2508588527, ClinGen allele CA398554824.

ClinVar aggregate classification (germline): Uncertain significance (1 of 4 stars; one submission).

Submission:

GeneDx
Classification: Uncertain significance. Last evaluated: 2022-07-05. Review status: criteria provided, single submitter. Criteria: GeneDx Variant Classification Process June 2021. Collection method: clinical testing. Allele origin: germline. Affected: yes.
Comment: Not observed at significant frequency in large population cohorts (gnomAD); In silico analysis supports that this missense variant does not alter protein structure/function; Has not been previously published as pathogenic or benign to our knowledge